The following is an entry in ClinVar:

NM_000311.5(PRNP):c.284C>A (p.Thr95Asn)

Gene: PRNP (prion protein (Kanno blood group); plus strand). Cytogenetic location: 20p13.
Variant type: single nucleotide variant.
Coding change: c.284C>A on transcript NM_000311.5 (MANE Select); coding-DNA position 284, C replaced by A.
Protein change: p.Thr95Asn; replaces threonine 95 with asparagine.
Molecular consequence: missense variant.
Genome position (GRCh38, 1-based): chr20:4,699,504, C>A. VCF-style: chr20-4699504-C-A. GRCh37 (hg19) VCF-style: chr20-4680150-C-A.
Other names: c.284C>A, p.Thr95Asn (NM_001080121.3, NM_001080122.3, NM_001080123.3 and 1 more transcripts); c.195C>A, p.His65Gln (NM_001271561.3); short protein forms H65Q, T95N.
Identifiers: ClinVar variation 3371022 (VCV003371022.1).

ClinVar aggregate classification (germline): Uncertain significance (1 of 4 stars; one submission).

Submission:

GeneDx
Classification: Uncertain significance. Last evaluated: 2024-03-14. Review status: criteria provided, single submitter. Criteria: GeneDx Variant Classification Process June 2021. Collection method: clinical testing. Allele origin: germline. Affected: yes.
Comment: Not observed at significant frequency in large population cohorts (gnomAD); In silico analysis supports that this missense variant does not alter protein structure/function; Has not been previously published as pathogenic or benign to our knowledge